The following is an entry in ClinVar:

NM_005908.4(MANBA):c.1589A>G (p.Asp530Gly)

Gene: MANBA (mannosidase beta; minus strand). Cytogenetic location: 4q24.
Variant type: single nucleotide variant.
Coding change: c.1589A>G on transcript NM_005908.4 (MANE Select); coding-DNA position 1589, A replaced by G.
Protein change: p.Asp530Gly; replaces aspartic acid 530 with glycine.
Molecular consequence: missense variant.
Genome position (GRCh38, 1-based): chr4:102,657,797, T>C on the plus strand (A>G on the coding strand, the complement: MANBA is on the minus strand). VCF-style: chr4-102657797-T-C. GRCh37 (hg19) VCF-style: chr4-103578954-T-C.
Other names: short protein forms D530G.
Identifiers: ClinVar variation 2200712 (VCV002200712.4), dbSNP rs1470380895, ClinGen allele CA357758772.
Genomic context (GRCh38, chr4:102,657,797, plus strand): 5'-CGAGCTTTTGGGAAAACTTTCCAGTTCCAGCAATCACTGATATAGTCATAAAAATGTACA[T>C]CACCAAAATAATTGCTATTAGGGTTTTGAGAGACCCAGGCTTCTGCAACAGTTTCAGCCC-3'
Protein context (NP_005899.3, residues 520-540): SQNPNSNYFG[Asp530Gly]VHFYDYISDC

ClinVar aggregate classification (germline): Uncertain significance (1 of 4 stars; one submission).

Conditions:
Beta-D-mannosidosis (MANSB). Also called: Beta-Mannosidosis; MANNOSIDOSIS, BETA A, LYSOSOMAL; BETA-MANNOSIDASE DEFICIENCY; LYSOSOMAL BETA-MANNOSIDASE DEFICIENCY. Identifiers: Orphanet 118, MedGen C4048196, MONDO:0009562, OMIM 248510.

Allele frequency attached by ClinVar (database versions not stated): gnomAD 0.00001; TOPMed 0.00002.
gnomAD v4.1: 6 of 1,613,542 alleles (0.00037%); highest among the groups gnomAD compares: South Asian, 0.0033%; no homozygotes.

Submission:

Labcorp Genetics (formerly Invitae), Labcorp
Classification: Uncertain significance for Beta-D-mannosidosis. Last evaluated: 2022-08-16. Review status: criteria provided, single submitter. Criteria: Invitae Variant Classification Sherloc (09022015). Collection method: clinical testing. Allele origin: germline.
Comment: In summary, the available evidence is currently insufficient to determine the role of this variant in disease. Therefore, it has been classified as a Variant of Uncertain Significance. Algorithms developed to predict the effect of missense changes on protein structure and function are either unavailable or do not agree on the potential impact of this missense change (SIFT: "Deleterious"; PolyPhen-2: "Probably Damaging"; Align-GVGD: "Class C0"). This variant has not been reported in the literature in individuals affected with MANBA-related conditions. This variant is present in population databases (no rsID available, gnomAD 0.006%). This sequence change replaces aspartic acid, which is acidic and polar, with glycine, which is neutral and non-polar, at codon 530 of the MANBA protein (p.Asp530Gly).